The following is an entry in ClinVar:

NM_000218.3(KCNQ1):c.604+220A>C

Gene: KCNQ1 (potassium voltage-gated channel subfamily Q member 1; plus strand). Cytogenetic location: 11p15.5.
Variant type: single nucleotide variant.
Coding change: c.604+220A>C on transcript NM_000218.3 (MANE Select); 220 bases into the intron after coding-DNA position 604, A replaced by C.
Molecular consequence: intron variant.
Genome position (GRCh38, 1-based): chr11:2,570,974, A>C. VCF-style: chr11-2570974-A-C. GRCh37 (hg19) VCF-style: chr11-2592204-A-C.
Other names: c.334+220A>C (NM_001406837.1); c.604+220A>C (NM_001406836.1); c.478-12461A>C (NM_001406838.1); c.223+220A>C (NM_181798.2).
Identifiers: ClinVar variation 675620 (VCV000675620.3), dbSNP rs112946114, ClinGen allele CA13500362.

ClinVar aggregate classification (germline): Benign (1 of 4 stars; one submission).

Allele frequency attached by ClinVar (database versions not stated): gnomAD 0.03406 and 0.03577; TOPMed 0.03840; 1000 Genomes Project 0.04253; 1000 Genomes Project 30x 0.04341.
gnomAD v4.1: 5,138 of 152,214 alleles (3.4%); highest among the groups gnomAD compares: African/African-American, 11%; 242 homozygotes.

Submission:

GeneDx
Classification: Benign. Last evaluated: 2018-06-16. Review status: criteria provided, single submitter. Criteria: GeneDx Variant Classification (06012015). Collection method: clinical testing. Allele origin: germline. Affected: yes.
Comment: This variant is considered likely benign or benign based on one or more of the following criteria: it is a conservative change, it occurs at a poorly conserved position in the protein, it is predicted to be benign by multiple in silico algorithms, and/or has population frequency not consistent with disease.